The following is an entry in ClinVar:

NM_001375380.1(EBF3):c.947dup (p.Pro317fs)

Genes: EBF3 (EBF transcription factor 3; minus strand), EBF3-AS1 (EBF3 antisense RNA 1; plus strand). Cytogenetic location: 10q26.3.
Variant type: Duplication.
Coding change: c.947dup on transcript NM_001375380.1 (MANE Select); coding-DNA position 947, one base duplicated (C; older notation c.947dupC).
Protein change: p.Pro317fs; shifts the reading frame from proline 317.
Molecular consequence: frameshift variant.
Genome position (GRCh38, 1-based): chr10:129,867,233, G duplicated on the plus strand (C on the coding strand, the reverse complement: EBF3 is on the minus strand); the first of 4 consecutive G bases (chr10:129,867,233-129,867,236); duplicating any one gives the same sequence. VCF-style (leftmost placement, unchanged base first): chr10-129867232-C-CG. GRCh37 (hg19) VCF-style: chr10-131665496-C-CG.
Other names: c.920dup, p.Pro308fs (NM_001375390.1, NM_001005463.3, NM_001375392.1); c.947dup, p.Pro317fs (NM_001375391.1, NM_001375379.1, NM_001375389.1); short protein forms P308fs, P317fs.
Identifiers: ClinVar variation 1709755 (VCV001709755.2), dbSNP rs2493981548, ClinGen allele CA2580082459.
Genomic context (GRCh38, chr10:129,867,232, plus strand): 5'-GCAGAACTGCTTGGATTTGTAGGAGAGGGTCACTTCGACGACGCCAGGAATGTGCCTCGG[C>CG]GGGGTCTGGACTCGGATGGCATGGGGAGTTATCAGCTACAAAAACCACACGGTGAACAGG-3'

ClinVar aggregate classification (germline): Likely pathogenic (1 of 4 stars; one submission).

Conditions:
Hypotonia, ataxia, and delayed development syndrome (HADDS). Also called: EBF3 Neurodevelopmental Disorder. Identifiers: Orphanet 658843, MedGen C4310618, MONDO:0015021, OMIM 617330.

Submission:

MGZ Medical Genetics Center
Classification: Likely pathogenic for Hypotonia, ataxia, and delayed development syndrome. Last evaluated: 2022-08-22. Review status: criteria provided, single submitter. Criteria: ACMG Guidelines, 2015. Collection method: clinical testing. Allele origin: germline. Affected: yes. Observed: 1 variant allele.
Comment: ACMG criteria applied: PVS1, PM2_SUP